The following is an entry in ClinVar:

ClinVar aggregate classification (germline): Conflicting classifications of pathogenicity. Review status: criteria provided, conflicting classifications (1 of 4 stars). 2 submissions from 2 submitters: Uncertain significance (1); Likely benign (1). Last evaluated 2023-08-04.

Allele frequency attached by ClinVar (database versions not stated): gnomAD 0.00001; gnomAD exomes 0.00001; ExAC 0.00002; TOPMed 0.00002.
gnomAD v4.1: 2 of 1,613,904 alleles (0.00012%); highest among the groups gnomAD compares: African/African-American, 0.0027%; no homozygotes.

Submissions (2):

Labcorp Genetics (formerly Invitae), Labcorp
Classification: Likely benign. Last evaluated: 2023-08-04. Review status: criteria provided, single submitter. Criteria: Invitae Variant Classification Sherloc (09022015). Collection method: clinical testing. Allele origin: germline.

GeneDx
Classification: Uncertain significance. Last evaluated: 2022-08-16. Review status: criteria provided, single submitter. Criteria: GeneDx Variant Classification Process June 2021. Collection method: clinical testing. Allele origin: germline. Affected: yes.
Comment: In silico analysis supports that this missense variant does not alter protein structure/function; Has not been previously published as pathogenic or benign to our knowledge

NM_001349338.3(FOXP1):c.1964C>T (p.Ala655Val)

Gene: FOXP1 (forkhead box P1; minus strand). Cytogenetic location: 3p13.
Variant type: single nucleotide variant.
Coding change: c.1964C>T on transcript NM_001349338.3 (MANE Select); coding-DNA position 1964, C replaced by T.
Protein change: p.Ala655Val; replaces alanine 655 with valine.
Molecular consequence: missense variant. On other transcripts: non-coding transcript variant (2).
Genome position (GRCh38, 1-based): chr3:70,959,317, G>A on the plus strand (C>T on the coding strand, the complement: FOXP1 is on the minus strand). VCF-style: chr3-70959317-G-A. GRCh37 (hg19) VCF-style: chr3-71008468-G-A.
Other names: c.1964C>T, p.Ala655Val (NM_001349340.3, NM_032682.6, NM_001244814.3 and 1 more transcripts); c.1961C>T, p.Ala654Val (NM_001349341.3, NM_001244808.3); c.1664C>T, p.Ala555Val (NM_001349342.3, NM_001244813.3, NM_001244815.2); c.1661C>T, p.Ala554Val (NM_001349343.3, NM_001349344.3, NM_001370548.1 and 1 more transcripts); c.2012C>T, p.Ala671Val (NM_001244810.2); c.1736C>T, p.Ala579Val (NM_001244812.3); short protein forms A554V, A555V, A579V, A654V, A655V, A671V.
Identifiers: ClinVar variation 1326644 (VCV001326644.7), dbSNP rs762475508, ClinGen allele CA2490763.
Genomic context (GRCh38, chr3:70,959,317, plus strand): 5'-TCCTCGTTTACTGGTTCATCTTCGTAATCTCTGTCATGGTCAAAATCTGGACTGTGGTTG[G>A]CTGTTGTCACTAAGGACAGGGGCCCTTCAGCTTCCTCTGGATCGAGGGGCTCTTCTTTGA-3'
Protein context (NP_001336267.1, residues 645-665): AEGPLSLVTT[Ala655Val]NHSPDFDHDR